The following is an entry in ClinVar:

ClinVar aggregate classification (germline): Pathogenic. Review status: criteria provided, multiple submitters, no conflicts (2 of 4 stars). 3 submissions from 3 submitters: Pathogenic (3). Last evaluated 2026-08-14.

Conditions:
Inborn genetic diseases. Identifiers: MedGen C0950123, MeSH D030342.
Tumor predisposition syndrome 2 (TPDS2). Also called: MBD4-ASSOCIATED NEOPLASIA SYNDROME; MBD4-Related Tumor Predisposition Syndrome; MBD4-associated neoplasia syndrome (MANS). Identifiers: Orphanet 661526, MedGen C5774186, MONDO:0859267, OMIM 619975.

Submissions (3):

Myriad Genetics, Inc.
Classification: Pathogenic for Tumor predisposition syndrome 2. Last evaluated: 2026-08-14. Review status: criteria provided, single submitter. Criteria: Myriad Autosomal Dominant, Autosomal Recessive and X-Linked Classification Criteria (2023). Collection method: clinical testing. Allele origin: unknown.
Comment: This variant is considered pathogenic. This variant creates a termination codon and is predicted to result in premature protein truncation.

Labcorp Genetics (formerly Invitae), Labcorp
Classification: Pathogenic. Last evaluated: 2025-11-13. Review status: criteria provided, single submitter. Criteria: Invitae Variant Classification Sherloc (09022015). Collection method: clinical testing. Allele origin: germline.
Comment: This sequence change creates a premature translational stop signal (p.Arg406*) in the MBD4 gene. It is expected to result in an absent or disrupted protein product. Loss-of-function variants in MBD4 are known to be pathogenic (PMID: 30049810, 35460607). This variant is present in population databases (no rsID available, gnomAD 0.004%). This variant has not been reported in the literature in individuals affected with MBD4-related conditions. ClinVar contains an entry for this variant (Variation ID: 3680739). Algorithms developed to predict the effect of sequence changes on RNA splicing suggest that this variant may disrupt the consensus splice site. For these reasons, this variant has been classified as Pathogenic.

Ambry Genetics
Classification: Pathogenic for Inborn genetic diseases. Last evaluated: 2025-01-10. Review status: criteria provided, single submitter. Criteria: Ambry Variant Classification Scheme 2023. Collection method: clinical testing. Allele origin: germline.
Comment: The p.R400* pathogenic mutation (also known as c.1198C>T), located in coding exon 4 of the MBD4 gene, results from a C to T substitution at nucleotide position 1198. This changes the amino acid from an arginine to a stop codon within coding exon 4. This alteration is expected to result in loss of function by premature protein truncation or nonsense-mediated mRNA decay. As such, this alteration is interpreted as a disease-causing mutation.

Literature cited by the submitters: PubMed 30049810 (cited by Labcorp Genetics (formerly Invitae), Labcorp); PubMed 35460607 (cited by Labcorp Genetics (formerly Invitae), Labcorp).

NM_001276270.2(MBD4):c.1198C>T (p.Arg400Ter)

Gene: MBD4 (methyl-CpG binding domain 4, DNA glycosylase; minus strand). Cytogenetic location: 3q21.3.
Variant type: single nucleotide variant.
Coding change: c.1198C>T on transcript NM_001276270.2 (MANE Select); coding-DNA position 1198, C replaced by T.
Protein change: p.Arg400Ter; replaces arginine 400 with a stop codon.
Molecular consequence: nonsense.
Genome position (GRCh38, 1-based): chr3:129,434,122, G>A on the plus strand (C>T on the coding strand, the complement: MBD4 is on the minus strand). VCF-style: chr3-129434122-G-A. GRCh37 (hg19) VCF-style: chr3-129152965-G-A.
Other names: c.1216C>T, p.Arg406Ter (NM_001276271.2, NM_001276272.2, NM_003925.3); c.262C>T, p.Arg88Ter (NM_001276273.2); short protein forms R406*, R88*, R400*.
Identifiers: ClinVar variation 3680739 (VCV003680739.4).